The following is an entry in ClinVar:

ClinVar aggregate classification (germline): Uncertain significance (1 of 4 stars; one submission).

Conditions:
Hereditary sensory and autonomic neuropathy type 6. Also called: HSAN VI; Neuropathy, hereditary sensory and autonomic, type VI. Identifiers: Orphanet 314381, MedGen C3539003, MONDO:0013839, OMIM 614653.
Epidermolysis bullosa simplex 3, localized or generalized intermediate, with BP230 deficiency (EBS3). Also called: Epidermolysis bullosa simplex due to BP230 deficiency; Epidermolysis bullosa simplex, autosomal recessive 2. Identifiers: Orphanet 412181, MedGen C3809470, MONDO:0014180, OMIM 615425.

Allele frequency attached by ClinVar (database versions not stated): gnomAD 0.00001; TOPMed 0.00001.
gnomAD v4.1: 5 of 1,613,998 alleles (0.00031%); highest among the groups gnomAD compares: Non-Finnish European, 0.00042%; no homozygotes.

Submission:

Labcorp Genetics (formerly Invitae), Labcorp
Classification: Uncertain significance for Epidermolysis bullosa simplex 3, localized or generalized intermediate, with BP230 deficiency; Hereditary sensory and autonomic neuropathy type 6. Last evaluated: 2019-10-10. Review status: criteria provided, single submitter. Criteria: Invitae Variant Classification Sherloc (09022015). Collection method: clinical testing. Allele origin: germline.
Comment: In summary, the available evidence is currently insufficient to determine the role of this variant in disease. Therefore, it has been classified as a Variant of Uncertain Significance. This sequence change results in a premature translational stop signal in the DST gene (p.Gln2569*). While this is not anticipated to result in nonsense mediated decay, it is expected to disrupt the last 81 amino acids of the DST protein. This variant is present in population databases (rs746511377, ExAC 0.001%). This variant has not been reported in the literature in individuals with DST-related conditions. Experimental studies and prediction algorithms are not available or were not evaluated, and the functional significance of this variant is currently unknown.

NM_001723.7(DST):c.7705C>T (p.Gln2569Ter)

Gene: DST (dystonin; minus strand). Cytogenetic location: 6p12.1.
Variant type: single nucleotide variant.
Coding change: c.7705C>T on transcript NM_001723.7 (MANE Plus Clinical); coding-DNA position 7705, C replaced by T.
Protein change: p.Gln2569Ter; replaces glutamine 2569 with a stop codon.
Molecular consequence: nonsense. On other transcripts: intron variant (10).
Genome position (GRCh38, 1-based): chr6:56,615,762, G>A on the plus strand (C>T on the coding strand, the complement: DST is on the minus strand). VCF-style: chr6-56615762-G-A. GRCh37 (hg19) VCF-style: chr6-56480560-G-A.
Other names: c.4831-1278C>T (NM_001144769.5); c.4930-1278C>T (NM_001374722.1, NM_001374736.1); c.4957-1278C>T (NM_001374734.1); c.4417-1278C>T (NM_001144770.2); c.4297-1278C>T (NM_001374730.1, NM_001386100.1, NM_183380.4 and 1 more transcripts); c.3319-1278C>T (NM_015548.5); short protein forms Q2569*.
Identifiers: ClinVar variation 941968 (VCV000941968.8), dbSNP rs746511377, ClinGen allele CA3869912.